The following is an entry in ClinVar:

ClinVar aggregate classification (germline): Uncertain significance (1 of 4 stars; one submission).

Allele frequency attached by ClinVar (database versions not stated): gnomAD 0.00009; 1000 Genomes Project 0.00060; 1000 Genomes Project 30x 0.00062.
gnomAD v4.1: 289 of 1,592,898 alleles (0.018%); highest among the groups gnomAD compares: South Asian, 0.13%; 3 homozygotes.

Submission:

Labcorp Genetics (formerly Invitae), Labcorp
Classification: Uncertain significance. Last evaluated: 2025-10-02. Review status: criteria provided, single submitter. Criteria: Invitae Variant Classification Sherloc (09022015). Collection method: clinical testing. Allele origin: germline.
Comment: This sequence change replaces histidine, which is basic and polar, with asparagine, which is neutral and polar, at codon 63 of the HS6ST1 protein (p.His63Asn). This variant is present in population databases (rs61732017, gnomAD 0.08%), and has an allele count higher than expected for a pathogenic variant. This variant has not been reported in the literature in individuals affected with HS6ST1-related conditions. ClinVar contains an entry for this variant (Variation ID: 2711906). Invitae Evidence Modeling of protein sequence and biophysical properties (such as structural, functional, and spatial information, amino acid conservation, physicochemical variation, residue mobility, and thermodynamic stability) indicates that this missense variant is not expected to disrupt HS6ST1 protein function with a negative predictive value of 80%. In summary, the available evidence is currently insufficient to determine the role of this variant in disease. Therefore, it has been classified as a Variant of Uncertain Significance.

NM_004807.3(HS6ST1):c.187C>A (p.His63Asn)

Gene: HS6ST1 (heparan sulfate 6-O-sulfotransferase 1; minus strand). Cytogenetic location: 2q14.3.
Variant type: single nucleotide variant.
Coding change: c.187C>A on transcript NM_004807.3 (MANE Select); coding-DNA position 187, C replaced by A.
Protein change: p.His63Asn; replaces histidine 63 with asparagine.
Molecular consequence: missense variant.
Genome position (GRCh38, 1-based): chr2:128,318,377, G>T on the plus strand (C>A on the coding strand, the complement: HS6ST1 is on the minus strand). VCF-style: chr2-128318377-G-T. GRCh37 (hg19) VCF-style: chr2-129075951-G-T.
Other names: short protein forms H63N.
Identifiers: ClinVar variation 2711906 (VCV002711906.3), dbSNP rs61732017, ClinGen allele CA1867668.